The following is an entry in ClinVar:

ClinVar aggregate classification (germline): Likely pathogenic (1 of 4 stars; one submission).

Submission:

Labcorp Genetics (formerly Invitae), Labcorp
Classification: Likely pathogenic. Last evaluated: 2022-09-19. Review status: criteria provided, single submitter. Criteria: Invitae Variant Classification Sherloc (09022015). Collection method: clinical testing. Allele origin: germline.
Comment: Algorithms developed to predict the effect of sequence changes on RNA splicing suggest that this variant may disrupt the consensus splice site. In summary, the currently available evidence indicates that the variant is pathogenic, but additional data are needed to prove that conclusively. Therefore, this variant has been classified as Likely Pathogenic. ClinVar contains an entry for this variant (Variation ID: 1508554). This variant has not been reported in the literature in individuals affected with TAPT1-related conditions. This variant is not present in population databases (gnomAD no frequency). This sequence change affects a donor splice site in intron 1 of the TAPT1 gene. It is expected to disrupt RNA splicing. Variants that disrupt the donor or acceptor splice site typically lead to a loss of protein function (PMID: 16199547), and loss-of-function variants in TAPT1 are known to be pathogenic (PMID: 26365339, 32058062).

Literature cited by the submitters: PubMed 16199547; PubMed 26365339; PubMed 32058062.

NM_153365.3(TAPT1):c.199+1G>A

Genes: TAPT1 (transmembrane anterior posterior transformation 1; minus strand), LOC129992296 (ATAC-STARR-seq lymphoblastoid silent region 15304; plus strand). Cytogenetic location: 4p15.32.
Variant type: single nucleotide variant.
Coding change: c.199+1G>A on transcript NM_153365.3 (MANE Select); the canonical splice donor site of the intron after coding-DNA position 199, G replaced by A.
Molecular consequence: splice donor variant.
Genome position (GRCh38, 1-based): chr4:16,226,258, C>T on the plus strand (G>A on the coding strand, the complement: TAPT1 is on the minus strand). VCF-style: chr4-16226258-C-T. GRCh37 (hg19) VCF-style: chr4-16227881-C-T.
Identifiers: ClinVar variation 1508554 (VCV001508554.8), dbSNP rs2108907946, ClinGen allele CA356490360.